The following is an entry in ClinVar:

ClinVar aggregate classification (germline): Uncertain significance (1 of 4 stars; one submission).

Submission:

Labcorp Genetics (formerly Invitae), Labcorp
Classification: Uncertain significance. Last evaluated: 2025-07-23. Review status: criteria provided, single submitter. Criteria: Invitae Variant Classification Sherloc (09022015). Collection method: clinical testing. Allele origin: germline.
Comment: This sequence change replaces arginine, which is basic and polar, with threonine, which is neutral and polar, at codon 480 of the IGF1R protein (p.Arg480Thr). This variant is not present in population databases (gnomAD no frequency). This variant has not been reported in the literature in individuals affected with IGF1R-related conditions. Invitae Evidence Modeling of protein sequence and biophysical properties (such as structural, functional, and spatial information, amino acid conservation, physicochemical variation, residue mobility, and thermodynamic stability) indicates that this missense variant is not expected to disrupt IGF1R protein function with a negative predictive value of 80%. In summary, the available evidence is currently insufficient to determine the role of this variant in disease. Therefore, it has been classified as a Variant of Uncertain Significance.

NM_000875.5(IGF1R):c.1439G>C (p.Arg480Thr)

Gene: IGF1R (insulin like growth factor 1 receptor; plus strand). Cytogenetic location: 15q26.3.
Variant type: single nucleotide variant.
Coding change: c.1439G>C on transcript NM_000875.5 (MANE Select); coding-DNA position 1439, G replaced by C.
Protein change: p.Arg480Thr; replaces arginine 480 with threonine.
Molecular consequence: missense variant.
Genome position (GRCh38, 1-based): chr15:98,908,876, G>C. VCF-style: chr15-98908876-G-C. GRCh37 (hg19) VCF-style: chr15-99452105-G-C.
Other names: c.1439G>C, p.Arg480Thr (NM_001291858.2); short protein forms R480T.
Identifiers: ClinVar variation 4769560 (VCV004769560.1).